The following is an entry in ClinVar:

NM_182931.3(KMT2E):c.4721G>T (p.Gly1574Val)

Gene: KMT2E (lysine methyltransferase 2E (inactive); plus strand). Cytogenetic location: 7q22.3.
Variant type: single nucleotide variant.
Coding change: c.4721G>T on transcript NM_182931.3 (MANE Select); coding-DNA position 4721, G replaced by T.
Protein change: p.Gly1574Val; replaces glycine 1574 with valine.
Molecular consequence: missense variant.
Genome position (GRCh38, 1-based): chr7:105,112,477, G>T. VCF-style: chr7-105112477-G-T. GRCh37 (hg19) VCF-style: chr7-104752924-G-T.
Other names: c.4595G>T, p.Gly1532Val (NM_001410908.1); c.4721G>T, p.Gly1574Val (NM_018682.4); short protein forms G1532V, G1574V.
Identifiers: ClinVar variation 1723857 (VCV001723857.2), dbSNP rs1799347604, ClinGen allele CA368793264.

ClinVar aggregate classification (germline): Uncertain significance (1 of 4 stars; one submission).

Submission:

GeneDx
Classification: Uncertain significance. Last evaluated: 2022-05-10. Review status: criteria provided, single submitter. Criteria: GeneDx Variant Classification Process June 2021. Collection method: clinical testing. Allele origin: germline. Affected: yes.
Comment: Not observed at significant frequency in large population cohorts (gnomAD); In silico analysis supports that this missense variant does not alter protein structure/function; Has not been previously published as pathogenic or benign to our knowledge